The following is an entry in ClinVar:

ClinVar aggregate classification (germline): Uncertain significance (1 of 4 stars; one submission).

Submission:

Labcorp Genetics (formerly Invitae), Labcorp
Classification: Uncertain significance. Last evaluated: 2021-10-21. Review status: criteria provided, single submitter. Criteria: Invitae Variant Classification Sherloc (09022015). Collection method: clinical testing. Allele origin: germline.
Comment: In summary, the available evidence is currently insufficient to determine the role of this variant in disease. Therefore, it has been classified as a Variant of Uncertain Significance. A similar copy number variant has been observed in individual(s) with Parkinson disease (PMID: 19405094). This variant results in a copy number gain of the genomic region encompassing exon(s) 2-12 of the PRKN gene. This region includes the termination codon of the gene. This copy number gain extends beyond the assayed region for this gene and therefore may encompass additional genes. As the precise location of this event is unknown, it may be in tandem or it may be located elsewhere in the genome.

Literature cited by the submitters: PubMed 19405094.

NC_000006.11:g.(?_161771131)_(162864525_?)dup

Gene: PRKN (parkin RBR E3 ubiquitin protein ligase; minus strand). Cytogenetic location: 6q26.
Variant type: Duplication.
Identifiers: ClinVar variation 2425158 (VCV002425158.4).